The following is an entry in ClinVar:

ClinVar aggregate classification (germline): Conflicting classifications of pathogenicity. Review status: criteria provided, conflicting classifications (1 of 4 stars). 3 submissions from 3 submitters: Uncertain significance (2); Likely benign (1). Last evaluated 2025-08-22.

Conditions:
Familial adenomatous polyposis 3. Also called: NTHL1-Related Adenomatous Polyposis and Colorectal Cancer; NTHL1-associated polyposis; NTHL1-related attenuated familial adenomatous polyposis; NTHL1 Tumor Syndrome. Identifiers: Orphanet 220460, Orphanet 454840, MedGen C4225157, MONDO:0014630, OMIM 616415.
Hereditary cancer-predisposing syndrome. Also called: Tumor predisposition; Neoplastic Syndromes, Hereditary; Hereditary Cancer Syndrome; Hereditary neoplastic syndrome. Identifiers: Orphanet 140162, MedGen C0027672, MeSH D009386, MONDO:0015356.

gnomAD v4.1: 3 of 1,582,578 alleles (0.00019%); highest among the groups gnomAD compares: African/African-American, 0.0027%; no homozygotes.

Submissions (3):

Ambry Genetics
Classification: Likely benign for Hereditary cancer-predisposing syndrome. Last evaluated: 2025-08-22. Review status: criteria provided, single submitter. Criteria: Ambry Variant Classification Scheme 2023. Collection method: clinical testing. Allele origin: germline.

Labcorp Genetics (formerly Invitae), Labcorp
Classification: Uncertain significance. Last evaluated: 2024-07-03. Review status: criteria provided, single submitter. Criteria: Invitae Variant Classification Sherloc (09022015). Collection method: clinical testing. Allele origin: germline.
Comment: This sequence change replaces glutamic acid, which is acidic and polar, with aspartic acid, which is acidic and polar, at codon 43 of the NTHL1 protein (p.Glu43Asp). This variant is not present in population databases (gnomAD no frequency). This variant has not been reported in the literature in individuals affected with NTHL1-related conditions. ClinVar contains an entry for this variant (Variation ID: 651399). An algorithm developed to predict the effect of missense changes on protein structure and function (PolyPhen-2) suggests that this variant is likely to be tolerated. In summary, the available evidence is currently insufficient to determine the role of this variant in disease. Therefore, it has been classified as a Variant of Uncertain Significance.

St. Jude Molecular Pathology, St. Jude Children's Research Hospital
Classification: Uncertain significance for Familial adenomatous polyposis 3. Last evaluated: 2023-05-31. Review status: criteria provided, single submitter. Criteria: St. Jude Assertion Criteria 2020. Collection method: clinical testing. Allele origin: germline.
Comment: The NTHL1 c.105G>C (p.Glu35Asp) missense change is absent in gnomAD v2.1.1. The in silico tool REVEL predicts a benign effect on protein function, but to our knowledge this prediction has not been confirmed by functional studies. To our knowledge, this variant has not been reported in individuals with NTHL1-associated polyposis. In summary, the evidence currently available is insufficient to determine the clinical significance of this variant. It has therefore been classified as of uncertain significance.

NM_002528.7(NTHL1):c.105G>C (p.Glu35Asp)

Gene: NTHL1 (nth like DNA glycosylase 1; minus strand). Cytogenetic location: 16p13.3.
Variant type: single nucleotide variant.
Coding change: c.105G>C on transcript NM_002528.7 (MANE Select); coding-DNA position 105, G replaced by C.
Protein change: p.Glu35Asp; replaces glutamic acid 35 with aspartic acid.
Molecular consequence: missense variant. On other transcripts: 5 prime UTR variant (1).
Genome position (GRCh38, 1-based): chr16:2,047,719, C>G on the plus strand (G>C on the coding strand, the complement: NTHL1 is on the minus strand). VCF-style: chr16-2047719-C-G. GRCh37 (hg19) VCF-style: chr16-2097720-C-G.
Other names: c.105G>C, p.Glu35Asp (LRG_1366t1, NM_001318193.2); c.129G>C (NM_002528.5); c.-74G>C (NM_001318194.2); short protein forms E35D.
Identifiers: ClinVar variation 651399 (VCV000651399.11), dbSNP rs1596227700, ClinGen allele CA394298259.
Genomic context (GRCh38, chr16:2,047,719, plus strand): 5'-GCAGCCCCTATCCCGCCTCCTCCCACGCTCCAGCCACGGCGCGGCGCTACCTGCTGCAGC[C>G]TCTCTTCTCCGGAGAGGCCCGGGCTCCTCCCTACACCCCCGCGGCCCAGCCCCGGGTCCC-3'
Protein context (NP_002519.2, residues 25-45): REEPGPLRRR[Glu35Asp]AAAEARKSHS